The following is an entry in ClinVar:

NM_001349253.2(SCN11A):c.4621A>G (p.Met1541Val)

Gene: SCN11A (sodium voltage-gated channel alpha subunit 11; minus strand). Cytogenetic location: 3p22.2.
Variant type: single nucleotide variant.
Coding change: c.4621A>G on transcript NM_001349253.2 (MANE Select); coding-DNA position 4621, A replaced by G.
Protein change: p.Met1541Val; replaces methionine 1541 with valine.
Molecular consequence: missense variant.
Genome position (GRCh38, 1-based): chr3:38,847,449, T>C on the plus strand (A>G on the coding strand, the complement: SCN11A is on the minus strand). VCF-style: chr3-38847449-T-C. GRCh37 (hg19) VCF-style: chr3-38888940-T-C.
Other names: c.4621A>G, p.Met1541Val (NM_014139.3); c.4621A>G (NM_014139.2); short protein forms M1541V.
Identifiers: ClinVar variation 1001271 (VCV001001271.6), dbSNP rs2064691385, ClinGen allele CA352163142.

ClinVar aggregate classification (germline): Uncertain significance. Review status: criteria provided, multiple submitters, no conflicts (2 of 4 stars). 2 submissions from 2 submitters: Uncertain significance (2). Last evaluated 2023-11-09.

Conditions:
Inborn genetic diseases. Identifiers: MedGen C0950123, MeSH D030342.
Hereditary sensory and autonomic neuropathy type 7. Also called: Neuropathy, hereditary sensory and autonomic, type VII; HSAN VII. Identifiers: Orphanet 391397, MedGen C3809882, MONDO:0014244, OMIM 615548.
Familial episodic pain syndrome with predominantly lower limb involvement. Also called: Episodic pain syndrome, familial, 3. Identifiers: Orphanet 391384, Orphanet 391392, MedGen C3809899, MONDO:0014247, OMIM 615552.

Submissions (2):

Ambry Genetics
Classification: Uncertain significance for Inborn genetic diseases. Last evaluated: 2023-11-09. Review status: criteria provided, single submitter. Criteria: Ambry Variant Classification Scheme 2023. Collection method: clinical testing. Allele origin: germline.

Labcorp Genetics (formerly Invitae), Labcorp
Classification: Uncertain significance for Familial episodic pain syndrome with predominantly lower limb involvement; Hereditary sensory and autonomic neuropathy type 7. Last evaluated: 2020-04-13. Review status: criteria provided, single submitter. Criteria: Invitae Variant Classification Sherloc (09022015). Collection method: clinical testing. Allele origin: germline.
Comment: Algorithms developed to predict the effect of missense changes on protein structure and function are either unavailable or do not agree on the potential impact of this missense change (SIFT: "Deleterious"; PolyPhen-2: "Benign"; Align-GVGD: "Class C15"). This variant has not been reported in the literature in individuals with SCN11A-related conditions. This variant is not present in population databases (ExAC no frequency). This sequence change replaces methionine with valine at codon 1541 of the SCN11A protein (p.Met1541Val). The methionine residue is highly conserved and there is a small physicochemical difference between methionine and valine. In summary, the available evidence is currently insufficient to determine the role of this variant in disease. Therefore, it has been classified as a Variant of Uncertain Significance.